The following is an entry in ClinVar:

NM_004168.4(SDHA):c.466T>G (p.Tyr156Asp)

Gene: SDHA (succinate dehydrogenase complex flavoprotein subunit A; plus strand). Cytogenetic location: 5p15.33.
Variant type: single nucleotide variant.
Coding change: c.466T>G on transcript NM_004168.4 (MANE Select); coding-DNA position 466, T replaced by G.
Protein change: p.Tyr156Asp; replaces tyrosine 156 with aspartic acid.
Molecular consequence: missense variant.
Genome position (GRCh38, 1-based): chr5:225,892, T>G. VCF-style: chr5-225892-T-G. GRCh37 (hg19) VCF-style: chr5-226007-T-G.
Other names: c.322T>G, p.Tyr108Asp (NM_001294332.2); c.466T>G, p.Tyr156Asp (NM_001330758.2); short protein forms Y156D, Y108D.
Identifiers: ClinVar variation 412335 (VCV000412335.21), dbSNP rs569384870, ClinGen allele CA16611931.

ClinVar aggregate classification (germline): Uncertain significance. Review status: criteria provided, multiple submitters, no conflicts (2 of 4 stars). 4 submissions from 4 submitters: Uncertain significance (4). Last evaluated 2025-11-01.

Conditions:
Mitochondrial complex II deficiency, nuclear type 1. Also called: SUCCINATE CoQ REDUCTASE DEFICIENCY. Identifiers: Orphanet 3208, MedGen C5700310, MONDO:0100294, OMIM 252011.
Pheochromocytoma/paraganglioma syndrome 5. Also called: SDHA-Related Hereditary Paraganglioma-Pheochromocytoma Syndrome; Paragangliomas 5. Identifiers: Orphanet 29072, MedGen C3279992, MONDO:0013602, OMIM 614165.
Dilated cardiomyopathy 1GG (CMD1GG). Identifiers: Orphanet 154, MedGen C3150898, MONDO:0013339, OMIM 613642.
Neurodegeneration with ataxia and late-onset optic atrophy. Identifiers: MedGen C5543254, MONDO:0031006, OMIM 619259.
Hereditary cancer-predisposing syndrome. Also called: Neoplastic Syndromes, Hereditary; Hereditary Cancer Syndrome; Tumor predisposition; Hereditary neoplastic syndrome. Identifiers: Orphanet 140162, MedGen C0027672, MeSH D009386, MONDO:0015356.

Allele frequency attached by ClinVar (database versions not stated): gnomAD 0.00001; TOPMed 0.00001.
gnomAD v4.1: 5 of 1,612,702 alleles (0.00031%); highest among the groups gnomAD compares: African/African-American, 0.0053%; no homozygotes.

Submissions (4):

Labcorp Genetics (formerly Invitae), Labcorp
Classification: Uncertain significance for Pheochromocytoma/paraganglioma syndrome 5; Mitochondrial complex II deficiency, nuclear type 1. Last evaluated: 2025-11-01. Review status: criteria provided, single submitter. Criteria: Invitae Variant Classification Sherloc (09022015). Collection method: clinical testing. Allele origin: germline.
Comment: This sequence change replaces tyrosine, which is neutral and polar, with aspartic acid, which is acidic and polar, at codon 156 of the SDHA protein (p.Tyr156Asp). This variant is present in population databases (no rsID available, gnomAD 0.007%). This variant has not been reported in the literature in individuals affected with SDHA-related conditions. ClinVar contains an entry for this variant (Variation ID: 412335). Invitae Evidence Modeling of protein sequence and biophysical properties (such as structural, functional, and spatial information, amino acid conservation, physicochemical variation, residue mobility, and thermodynamic stability) has been performed for this missense variant. However, the output from this modeling did not meet the statistical confidence thresholds required to predict the impact of this variant on SDHA protein function. In summary, the available evidence is currently insufficient to determine the role of this variant in disease. Therefore, it has been classified as a Variant of Uncertain Significance.

Ambry Genetics
Classification: Uncertain significance for Hereditary cancer-predisposing syndrome. Last evaluated: 2024-07-01. Review status: criteria provided, single submitter. Criteria: Ambry Variant Classification Scheme 2023. Collection method: clinical testing. Allele origin: germline.
Comment: The p.Y156D variant (also known as c.466T>G), located in coding exon 5 of the SDHA gene, results from a T to G substitution at nucleotide position 466. The tyrosine at codon 156 is replaced by aspartic acid, an amino acid with highly dissimilar properties. This amino acid position is conserved. In addition, the in silico prediction for this alteration is inconclusive. Since supporting evidence is limited at this time, the clinical significance of this alteration remains unclear.

GeneDx
Classification: Uncertain significance. Last evaluated: 2022-05-06. Review status: criteria provided, single submitter. Criteria: GeneDx Variant Classification Process June 2021. Collection method: clinical testing. Allele origin: germline. Affected: yes.
Comment: Not observed at significant frequency in large population cohorts (gnomAD); In silico analysis supports that this missense variant has a deleterious effect on protein structure/function; Has not been previously published as pathogenic or benign to our knowledge

Fulgent Genetics
Classification: Uncertain significance for Mitochondrial complex II deficiency, nuclear type 1; Dilated cardiomyopathy 1GG; Pheochromocytoma/paraganglioma syndrome 5; Neurodegeneration with ataxia and late-onset optic atrophy. Last evaluated: 2021-10-20. Review status: criteria provided, single submitter. Criteria: ACMG Guidelines, 2015. Collection method: clinical testing. Allele origin: unknown.